The following is an entry in ClinVar:

ClinVar aggregate classification (germline): Uncertain significance (1 of 4 stars; one submission).

Conditions:
Hereditary cancer-predisposing syndrome. Also called: Tumor predisposition; Hereditary Cancer Syndrome; Hereditary neoplastic syndrome; Neoplastic Syndromes, Hereditary. Identifiers: Orphanet 140162, MedGen C0027672, MeSH D009386, MONDO:0015356.

gnomAD v4.1: 1 of 1,612,034 alleles (0.000062%); highest among the groups gnomAD compares: Non-Finnish European, 0.000085%; no homozygotes.

Submission:

Ambry Genetics
Classification: Uncertain significance for Hereditary cancer-predisposing syndrome. Last evaluated: 2025-12-03. Review status: criteria provided, single submitter. Criteria: Ambry Variant Classification Scheme 2023. Collection method: clinical testing. Allele origin: germline.
Comment: The p.S1290N variant (also known as c.3869G>A), located in coding exon 31 of the TSC2 gene, results from a G to A substitution at nucleotide position 3869. The serine at codon 1290 is replaced by asparagine, an amino acid with highly similar properties. This amino acid position is highly conserved in available vertebrate species. In addition, the in silico prediction for this alteration is inconclusive. Based on the available evidence, the clinical significance of this variant remains unclear.

NM_000548.5(TSC2):c.3869G>A (p.Ser1290Asn)

Gene: TSC2 (TSC complex subunit 2; plus strand). Cytogenetic location: 16p13.3.
Variant type: single nucleotide variant.
Coding change: c.3869G>A on transcript NM_000548.5 (MANE Select); coding-DNA position 3869, G replaced by A.
Protein change: p.Ser1290Asn; replaces serine 1290 with asparagine.
Molecular consequence: missense variant. On other transcripts: non-coding transcript variant (1), intron variant (33).
Genome position (GRCh38, 1-based): chr16:2,082,490, G>A. VCF-style: chr16-2082490-G-A. GRCh37 (hg19) VCF-style: chr16-2132491-G-A.
Other names: c.3137G>A, p.Ser1046Asn (NM_001318831.2); c.3737G>A, p.Ser1246Asn (NM_001370404.1, NM_001406665.1); c.3740G>A, p.Ser1247Asn (NM_001370405.1, NM_021055.3); c.3866G>A, p.Ser1289Asn (NM_001406663.1); c.3269G>A, p.Ser1090Asn (NM_001406680.1); c.2396G>A, p.Ser799Asn (NM_001406690.1); c.2393G>A, p.Ser798Asn (NM_001406691.1); c.2341+692G>A (NM_001406693.1, NM_001406692.1, NM_001406694.1); and 25 more; short protein forms S1247N, S1290N, S1090N, S1246N, S798N, S1046N, S799N, S1289N.
Identifiers: ClinVar variation 4557343 (VCV004557343.1).
Genomic context (GRCh38, chr16:2,082,490, plus strand): 5'-TTGCAGTGGCCTCTTTCTCCTCCCTGTACCAGTCCAGCTGCCAAGGACAGCTGCACAGGA[G>A]CGTTTCCTGGGCAGGTATCGCCTCTCAGAGGGAAGCGGTTGGCTGCAGAGCGCCACTCTG-3'
Protein context (NP_000539.2, residues 1280-1300): QSSCQGQLHR[Ser1290Asn]VSWADSAVVM